The following is an entry in ClinVar:

ClinVar aggregate classification (germline): Conflicting classifications of pathogenicity. Review status: criteria provided, conflicting classifications (1 of 4 stars). 6 submissions from 6 submitters: Uncertain significance (5); Likely benign (1). Last evaluated 2025-12-19.

Conditions:
RASopathy. Also called: rasopathies; Noonan spectrum disorder. Identifiers: Orphanet 536391, MedGen C5555857, MONDO:0021060.

Allele frequency attached by ClinVar (database versions not stated): gnomAD exomes below 0.00001 and 0.00004; ExAC 0.00001; gnomAD 0.00004; TOPMed 0.00005; ESP Exome Variant Server 0.00008.
gnomAD v4.1: 60 of 1,613,320 alleles (0.0037%); highest among the groups gnomAD compares: Non-Finnish European, 0.005%; no homozygotes.

Submissions (6):

Labcorp Genetics (formerly Invitae), Labcorp
Classification: Uncertain significance for RASopathy. Last evaluated: 2025-12-19. Review status: criteria provided, single submitter. Criteria: Invitae Variant Classification Sherloc (09022015). Collection method: clinical testing. Allele origin: germline.
Comment: This sequence change replaces isoleucine, which is neutral and non-polar, with phenylalanine, which is neutral and non-polar, at codon 97 of the MAP2K2 protein (p.Ile97Phe). This variant is present in population databases (rs373579939, gnomAD 0.002%). This variant has not been reported in the literature in individuals affected with MAP2K2-related conditions. ClinVar contains an entry for this variant (Variation ID: 46232). Invitae Evidence Modeling incorporating data from in vitro experimental studies (internal data) indicates that this missense variant is not expected to disrupt MAP2K2 function with a negative predictive value of 95%. In summary, the available evidence is currently insufficient to determine the role of this variant in disease. Therefore, it has been classified as a Variant of Uncertain Significance.

Mayo Clinic Laboratories, Mayo Clinic
Classification: Uncertain significance. Last evaluated: 2022-11-08. Review status: criteria provided, single submitter. Criteria: ACMG Guidelines, 2015. Collection method: clinical testing. Allele origin: germline. Observed: 1 variant allele.
Comment: PP3

Blueprint Genetics
Classification: Likely benign. Last evaluated: 2022-07-17. Review status: criteria provided, single submitter. Criteria: ACMG Guidelines, 2015. Collection method: clinical testing. Allele origin: germline.

AiLife Diagnostics
Classification: Uncertain significance. Last evaluated: 2021-12-30. Review status: criteria provided, single submitter. Criteria: ACMG Guidelines, 2015. Collection method: clinical testing. Allele origin: germline. Affected: yes. Observed: 1 variant allele.

Laboratory for Molecular Medicine, Mass General Brigham Personalized Medicine
Classification: Uncertain significance. Last evaluated: 2016-07-26. Review status: criteria provided, single submitter. Criteria: LMM Criteria. Collection method: clinical testing. Allele origin: germline. Observed: 3 variant alleles.
Comment: Variant classified as Uncertain Significance - Favor Benign. The p.Ile97Phe vari ant in MAP2K2 has now been identified by our laboratory in 2 individuals with cl inical features of a RASopathy disorder and a reportedly unaffected parent. It h as also been identified in 1/65212 European chromosomes by the Exome Aggregation Consortium (ExAC; dbSNP rs373579939). Although this variant has been seen in the general population, its frequency is not high enough to rule out a pathogenic role. Computational prediction tools and conser vation analysis do not provide strong support for or against an impact to the pr otein. In summary, although the clinical significance of the p.Ile97Phe variant is uncertain, identification in an unaffected parent suggest that this variant i s more likely benign.

GeneDx
Classification: Uncertain significance. Last evaluated: 2014-01-06. Review status: criteria provided, single submitter. Criteria: GeneDx Variant Classification (06012015). Collection method: clinical testing. Allele origin: germline. Affected: yes.
Comment: This variant is denoted c.289 A>T at the cDNA level or p.Ile97Phe (I97F) at the protein level. The I97F missense change has not been previously reported as a disease-causing mutation or as a benign polymorphism, to our knowledge. The I97F missense change is a conservative amino acid substitution as both Isoleucine and Phenylalanine are neutral and non-polar resiudes. The residue at which this substitution occurs is conserved in mammals. The I97F variant was not observed at any significant frequency in approximately 6,500 individuals of European and African American ancestry in the NHLBI Exome Sequencing Project. In silico models are discordant in their assessment of the pathogenicity of the variant. Another missense mutation at a nearby residue (A80T) has been reported. Although the majority of missense changes in MAP2K2 are pathogenic mutations, the potential for benign coding variants to exist in this gene must be considered. The variant is found in NOONAN panel(s).

NM_030662.4(MAP2K2):c.289A>T (p.Ile97Phe)

Gene: MAP2K2 (mitogen-activated protein kinase kinase 2; minus strand). Cytogenetic location: 19p13.3.
Variant type: single nucleotide variant.
Coding change: c.289A>T on transcript NM_030662.4 (MANE Select); coding-DNA position 289, A replaced by T.
Protein change: p.Ile97Phe; replaces isoleucine 97 with phenylalanine.
Molecular consequence: missense variant.
Genome position (GRCh38, 1-based): chr19:4,117,433, T>A on the plus strand (A>T on the coding strand, the complement: MAP2K2 is on the minus strand). VCF-style: chr19-4117433-T-A. GRCh37 (hg19) VCF-style: chr19-4117431-T-A.
Other names: p.I97F:ATC>TTC; short protein forms I97F.
Identifiers: ClinVar variation 46232 (VCV000046232.12), dbSNP rs373579939, ClinGen allele CA137928.